The following is an entry in ClinVar:

NM_001165963.4(SCN1A):c.5081A>G (p.Tyr1694Cys)

Genes: SCN1A (sodium voltage-gated channel alpha subunit 1; minus strand), LOC102724058 (uncharacterized LOC102724058; plus strand). Cytogenetic location: 2q24.3.
Variant type: single nucleotide variant.
Coding change: c.5081A>G on transcript NM_001165963.4 (MANE Select); coding-DNA position 5081, A replaced by G.
Protein change: p.Tyr1694Cys; replaces tyrosine 1694 with cysteine.
Molecular consequence: missense variant. On other transcripts: non-coding transcript variant (1).
Genome position (GRCh38, 1-based): chr2:165,992,194, T>C on the plus strand (A>G on the coding strand, the complement: SCN1A is on the minus strand). VCF-style: chr2-165992194-T-C. GRCh37 (hg19) VCF-style: chr2-166848704-T-C.
Other names: c.5081A>G (NM_001202435.1); c.4997A>G, p.Tyr1666Cys (NM_001165964.3, NM_001353957.2, NM_001353958.2); c.5081A>G, p.Tyr1694Cys (NM_001202435.3, NM_001353948.2); c.5048A>G, p.Tyr1683Cys (NM_001353949.2, NM_001353950.2, NM_001353951.2 and 2 more transcripts); c.5045A>G, p.Tyr1682Cys (NM_001353954.2, NM_001353955.2); c.4994A>G, p.Tyr1665Cys (NM_001353960.2); c.2639A>G, p.Tyr880Cys (NM_001353961.2); short protein forms Y1683C, Y1694C, Y1665C, Y880C, Y1666C, Y1682C.
Identifiers: ClinVar variation 68650 (VCV000068650.13), dbSNP rs121918777, ClinGen allele CA285210.
Genomic context (GRCh38, chr2:165,992,194, plus strand): 5'-ATGCTGTTGCCAAAGGTCTCAAAGTTGAACATGTCATCGATCCCAACTTCCCTCTTAACA[T>C]AGGCAAAGTTGGACATCCCAAAGATGGCGTAGATGAACATGACTAGGAAGAGTAGGAGGC-3'
Protein context (NP_001159435.1, residues 1684-1704): YAIFGMSNFA[Tyr1694Cys]VKREVGIDDM

ClinVar aggregate classification (germline): Conflicting classifications of pathogenicity. Review status: criteria provided, conflicting classifications (1 of 4 stars). 4 submissions from 4 submitters: Pathogenic (1); Uncertain significance (1). 2 of the submissions do not count toward it. Last evaluated 2025-07-10.

Conditions:
SCN1A-related disorder. Also called: SCN1A-related conditions; SCN1A-related condition; SCN1A-related disorders.
Early-infantile DEE. Also called: Early infantile epileptic encephalopathy; Early infantile epileptic encephalopathy with suppression bursts; Ohtahara syndrome. Identifiers: Orphanet 1934, MedGen C0393706, MONDO:0800491.
Severe myoclonic epilepsy in infancy (DRVT). Also called: SEVERE MYOCLONIC EPILEPSY OF INFANCY; DEVELOPMENTAL AND EPILEPTIC ENCEPHALOPATHY 6A; Severe Myoclonic Epilepsy in Infancy (SMEI); Dravet syndrome; Epileptic encephalopathy, early infantile, 6 (Dravet syndrome). Identifiers: Orphanet 33069, MedGen C0751122, MONDO:0100135, OMIM 607208.

Submissions (4):

Labcorp Genetics (formerly Invitae), Labcorp
Classification: Pathogenic for Early-infantile DEE. Last evaluated: 2025-07-10. Review status: criteria provided, single submitter. Criteria: Invitae Variant Classification Sherloc (09022015). Collection method: clinical testing. Allele origin: germline.
Comment: This sequence change replaces tyrosine, which is neutral and polar, with cysteine, which is neutral and slightly polar, at codon 1694 of the SCN1A protein (p.Tyr1694Cys). This variant is not present in population databases (gnomAD no frequency). This missense change has been observed in individual(s) with autosomal dominant early infantile epileptic encephalopathy or generalized epilepsy with febrile seizures (PMID: 14738421, 19586930, 28202706). It has also been observed to segregate with disease in related individuals. This variant is also known as Tyr1684Cys. ClinVar contains an entry for this variant (Variation ID: 68650). Invitae Evidence Modeling of protein sequence and biophysical properties (such as structural, functional, and spatial information, amino acid conservation, physicochemical variation, residue mobility, and thermodynamic stability) indicates that this missense variant is expected to disrupt SCN1A protein function with a positive predictive value of 95%. For these reasons, this variant has been classified as Pathogenic.

Genetic Services Laboratory, University of Chicago
Classification: Uncertain significance. Last evaluated: 2016-03-29. Review status: criteria provided, single submitter. Criteria: ACMG Guidelines, 2015. Collection method: clinical testing. Allele origin: germline. Affected: no.

PreventionGenetics, part of Exact Sciences
Classification: Likely pathogenic for SCN1A-related condition. Last evaluated: 2024-03-28. Review status: no assertion criteria provided. Collection method: clinical testing. Allele origin: germline. Not counted in ClinVar's aggregate classification.
Comment: The SCN1A c.5081A>G variant is predicted to result in the amino acid substitution p.Tyr1694Cys. This variant has been reported in individuals with various epilepsy phenotypes (referred to as Y1684C, Fukuma et al. 2004. PubMed ID: 14738421; Table e-1, Cetica et al. 2017. PubMed ID: 28202706; eTable 1, Brunklaus et al. 2022. PubMed ID: 35074891). This variant has not been reported in a large population database, indicating it is rare. This variant is interpreted as likely pathogenic.

UniProtKB/Swiss-Prot
No classification provided. Condition: Severe myoclonic epilepsy in infancy. Review status: no classification provided. Collection method: not provided. Allele origin: unknown. Not counted in ClinVar's aggregate classification.
Comment: Variants reported as p.Tyr1684Cys in PubMed 14738421

Literature cited by the submitters: PubMed 14738421 (cited by Labcorp Genetics (formerly Invitae), Labcorp); PubMed 19586930 (cited by Labcorp Genetics (formerly Invitae), Labcorp); PubMed 28202706 (cited by Labcorp Genetics (formerly Invitae), Labcorp).